The following is an entry in ClinVar:

ClinVar aggregate classification (germline): Pathogenic/Likely pathogenic. Review status: criteria provided, multiple submitters, no conflicts (2 of 4 stars). 2 submissions from 2 submitters: Pathogenic (1); Likely pathogenic (1). Last evaluated 2024-08-07.

Conditions:
Familial hypokalemia-hypomagnesemia (GTLMNS). Also called: HYPOMAGNESEMIA-HYPOKALEMIA, PRIMARY RENOTUBULAR, WITH HYPOCALCIURIA; POTASSIUM AND MAGNESIUM DEPLETION; gitelman syndrome. Identifiers: Orphanet 358, MedGen C0268450, MONDO:0009904, OMIM 263800.

Submissions (2):

Natera, Inc.
Classification: Likely pathogenic for Gitelman syndrome. Last evaluated: 2024-08-07. Review status: criteria provided, single submitter. Criteria: Natera Variant Classification Schema (03/2026). Collection method: clinical testing. Allele origin: germline.
Comment: The c.3006del variant in SLC12A3 is a frameshift variant predicted to shift the reading frame beginning at codon 1002 and leads to a stop codon 15 codons downstream. This variant is expected to result in nonsense mediated decay, truncation, or a dysfunctional protein product. This variant is rare in the general population with a frequency below the threshold expected for the associated phenotype(s). This variant has been observed in one or more individuals affected with the associated recessive disease, as either homozygous or compound heterozygous with a second variant (PMID: 22169961). Additionally, this variant has been observed to segregate in affected family members (PMID: 22169961). Given the available evidence, this variant is classified as Likely Pathogenic.

Labcorp Genetics (formerly Invitae), Labcorp
Classification: Pathogenic. Last evaluated: 2023-08-30. Review status: criteria provided, single submitter. Criteria: Invitae Variant Classification Sherloc (09022015). Collection method: clinical testing. Allele origin: germline.
Comment: For these reasons, this variant has been classified as Pathogenic. This variant disrupts a region of the SLC12A3 protein in which other variant(s) (p.Thr1026Ile) have been determined to be pathogenic (PMID: 18391953, 21415153). This suggests that this is a clinically significant region of the protein, and that variants that disrupt it are likely to be disease-causing. This sequence change creates a premature translational stop signal (p.Trp1002Cysfs*15) in the SLC12A3 gene. While this is not anticipated to result in nonsense mediated decay, it is expected to disrupt the last 29 amino acid(s) of the SLC12A3 protein. This variant is not present in population databases (gnomAD no frequency). This premature translational stop signal has been observed in individual(s) with Gitelman syndrome (PMID: 22169961). It has also been observed to segregate with disease in related individuals.

Literature cited by the submitters: PubMed 22169961 (cited by Natera, Inc. and Labcorp Genetics (formerly Invitae), Labcorp); PubMed 18391953 (cited by Labcorp Genetics (formerly Invitae), Labcorp); PubMed 21415153 (cited by Labcorp Genetics (formerly Invitae), Labcorp).

NM_001126108.2(SLC12A3):c.2979del (p.Trp993fs)

Genes: SLC12A3 (solute carrier family 12 member 3; plus strand), LOC126862361 (CDK7 strongly-dependent group 2 enhancer GRCh37_chr16:56946332-56947531; plus strand). Cytogenetic location: 16q13.
Variant type: Deletion.
Coding change: c.2979del on transcript NM_001126108.2 (MANE Select); coding-DNA position 2979, one base deleted (G; older notation c.2979delG).
Protein change: p.Trp993fs; shifts the reading frame from tryptophan 993.
Molecular consequence: frameshift variant.
Genome position (GRCh38, 1-based): chr16:56,913,318, G deleted; the last of 2 consecutive G bases (chr16:56,913,317-56,913,318); deleting either gives the same sequence. VCF-style (leftmost placement, unchanged base first): chr16-56913316-TG-T. GRCh37 (hg19) VCF-style: chr16-56947228-TG-T.
Other names: c.3006del (NM_000339.2); c.3006del, p.Trp1002fs (NM_000339.3); c.3003del, p.Trp1001fs (NM_001126107.2); c.2976del, p.Trp992fs (NM_001410896.1); short protein forms W1001fs, W992fs, W1002fs, W993fs.
Identifiers: ClinVar variation 2736357 (VCV002736357.4), dbSNP rs2543584659, ClinGen allele CA2695223520.